The following is an entry in ClinVar:

ClinVar aggregate classification (germline): Likely benign (1 of 4 stars; one submission).

Allele frequency attached by ClinVar (database versions not stated): 1000 Genomes Project 30x 0.00016; 1000 Genomes Project 0.00020; TOPMed 0.00051; ESP Exome Variant Server 0.00085; gnomAD 0.00092; ExAC 0.00110.
gnomAD v4.1: 1,256 of 1,613,598 alleles (0.078%); highest among the groups gnomAD compares: Non-Finnish European, 0.078%; 3 homozygotes.

Submission:

CeGaT Center for Human Genetics Tuebingen
Classification: Likely benign. Last evaluated: 2025-11-01. Review status: criteria provided, single submitter. Criteria: CeGaT Center For Human Genetics Tuebingen Variant Classification Criteria Version 2. Collection method: clinical testing. Allele origin: germline. Affected: yes. Observed: 2 variant alleles.
Comment: EXOC4: BP4, BP7

NM_021807.4(EXOC4):c.2298G>A (p.Ser766=)

Gene: EXOC4 (exocyst complex component 4; plus strand). Cytogenetic location: 7q33.
Variant type: single nucleotide variant.
Coding change: c.2298G>A on transcript NM_021807.4 (MANE Select); coding-DNA position 2298, G replaced by A.
Protein change: p.Ser766=; no amino-acid change (serine 766 retained).
Molecular consequence: synonymous variant.
Genome position (GRCh38, 1-based): chr7:133,997,583, G>A. VCF-style: chr7-133997583-G-A. GRCh37 (hg19) VCF-style: chr7-133682336-G-A.
Identifiers: ClinVar variation 2658004 (VCV002658004.24), dbSNP rs146827346, ClinGen allele CA4491794.